The following is an entry in ClinVar:

ClinVar aggregate classification (germline): Uncertain significance (1 of 4 stars; one submission).

Conditions:
Inborn genetic diseases. Identifiers: MedGen C0950123, MeSH D030342.

Submission:

Ambry Genetics
Classification: Uncertain significance for Inborn genetic diseases. Last evaluated: 2026-06-08. Review status: criteria provided, single submitter. Criteria: Ambry Variant Classification Scheme 2023. Collection method: clinical testing. Allele origin: germline.
Comment: The p.H432D variant (also known as c.1294C>G), located in coding exon 8 of the MECOM gene, results from a C to G substitution at nucleotide position 1294. The histidine at codon 432 is replaced by aspartic acid, an amino acid with similar properties. This amino acid position is conserved. In addition, the in silico prediction for this alteration is inconclusive. Based on the available evidence, the clinical significance of this variant remains unclear.

NM_004991.4(MECOM):c.1294C>G (p.His432Asp)

Gene: MECOM (MDS1 and EVI1 complex locus; minus strand). Cytogenetic location: 3q26.2.
Variant type: single nucleotide variant.
Coding change: c.1294C>G on transcript NM_004991.4 (MANE Select); coding-DNA position 1294, C replaced by G.
Protein change: p.His432Asp; replaces histidine 432 with aspartic acid.
Molecular consequence: missense variant. On other transcripts: intron variant (2).
Genome position (GRCh38, 1-based): chr3:169,116,578, G>C on the plus strand (C>G on the coding strand, the complement: MECOM is on the minus strand). VCF-style: chr3-169116578-G-C. GRCh37 (hg19) VCF-style: chr3-168834366-G-C.
Other names: c.925C>G, p.His309Asp (NM_001105077.4); c.730C>G, p.His244Asp (NM_001105078.4, NM_001164000.2, NM_001205194.2 and 4 more transcripts); c.733C>G, p.His245Asp (NM_001163999.2, NM_001366467.2, NM_001366468.2 and 1 more transcripts); c.1294C>G, p.His432Asp (NM_001366466.2); c.1133-811C>G (NM_001366473.2); c.569-811C>G (NM_001366474.2); short protein forms H244D, H245D, H309D, H432D.
Identifiers: ClinVar variation 4859814 (VCV004859814.1).